The following is an entry in ClinVar:

NM_006979.3(SLC39A7):c.1312G>A (p.Glu438Lys)

Gene: SLC39A7 (solute carrier family 39 member 7; plus strand). Cytogenetic location: 6p21.32.
Variant type: single nucleotide variant.
Coding change: c.1312G>A on transcript NM_006979.3 (MANE Select); coding-DNA position 1312, G replaced by A.
Protein change: p.Glu438Lys; replaces glutamic acid 438 with lysine.
Molecular consequence: missense variant.
Genome position (GRCh38, 1-based): chr6:33,203,715, G>A. VCF-style: chr6-33203715-G-A. GRCh37 (hg19) VCF-style: chr6-33171492-G-A.
Other names: c.1312G>A, p.Glu438Lys (NM_001077516.2); c.937G>A, p.Glu313Lys (NM_001288777.2); c.1312G>A (NM_006979.2); short protein forms E438K, E313K.
Identifiers: ClinVar variation 1369365 (VCV001369365.5), dbSNP rs1365837809, ClinGen allele CA363651128.
Genomic context (GRCh38, chr6:33,203,715, plus strand): 5'-TGGGTCCTGCCATTTACTGCAGGTGGCTTTATCTACGTAGCAACAGTGTCTGTGTTGCCC[G>A]AGCTGCTGAGGGAGGCATCACCATTGCAATCACTTCTGGAGGTGCTGGGGCTGCTGGGGG-3'
Protein context (NP_008910.2, residues 428-448): IYVATVSVLP[Glu438Lys]LLREASPLQS

ClinVar aggregate classification (germline): Uncertain significance. Review status: criteria provided, multiple submitters, no conflicts (2 of 4 stars). 2 submissions from 2 submitters: Uncertain significance (2). Last evaluated 2025-04-30.

Allele frequency attached by ClinVar (database versions not stated): gnomAD exomes below 0.00001; gnomAD 0.00001 and 0.00002; TOPMed 0.00003.
gnomAD v4.1: 7 of 1,614,098 alleles (0.00043%); highest among the groups gnomAD compares: Admixed American, 0.005%; no homozygotes.

Submissions (2):

Ambry Genetics
Classification: Uncertain significance. Last evaluated: 2025-04-30. Review status: criteria provided, single submitter. Criteria: Ambry Variant Classification Scheme 2023. Collection method: clinical testing. Allele origin: germline.

Labcorp Genetics (formerly Invitae), Labcorp
Classification: Uncertain significance. Last evaluated: 2021-07-30. Review status: criteria provided, single submitter. Criteria: Invitae Variant Classification Sherloc (09022015). Collection method: clinical testing. Allele origin: germline.
Comment: This sequence change replaces glutamic acid with lysine at codon 438 of the SLC39A7 protein (p.Glu438Lys). The glutamic acid residue is highly conserved and there is a small physicochemical difference between glutamic acid and lysine. This variant is not present in population databases (ExAC no frequency). In summary, the available evidence is currently insufficient to determine the role of this variant in disease. Therefore, it has been classified as a Variant of Uncertain Significance. Algorithms developed to predict the effect of missense changes on protein structure and function are either unavailable or do not agree on the potential impact of this missense change (SIFT: "Deleterious"; PolyPhen-2: "Probably Damaging"; Align-GVGD: "Class C15"). This variant has not been reported in the literature in individuals affected with SLC39A7-related conditions.